The following is an entry in ClinVar:

ClinVar aggregate classification (germline): Conflicting classifications of pathogenicity. Review status: criteria provided, conflicting classifications (1 of 4 stars). 2 submissions from 2 submitters: Uncertain significance (1); Likely benign (1). Last evaluated 2026-07-10.

Conditions:
Hereditary cancer-predisposing syndrome. Also called: Tumor predisposition; Hereditary Cancer Syndrome; Hereditary neoplastic syndrome; Neoplastic Syndromes, Hereditary. Identifiers: Orphanet 140162, MedGen C0027672, MeSH D009386, MONDO:0015356.
Cardiovascular phenotype. Identifiers: MedGen CN230736.
Neurofibromatosis, type 1 (NF1). Also called: NEUROFIBROMATOSIS, TYPE I, SOMATIC; Peripheral type neurofibromatosis; VON RECKLINGHAUSEN DISEASE; Neurofibromatosis, type I. Identifiers: Orphanet 636, MedGen C0027831, MONDO:0018975, OMIM 162200. Disease mechanism: loss of function.

Submissions (2):

Ambry Genetics
Classification: Likely benign for Cardiovascular phenotype; Hereditary cancer-predisposing syndrome. Last evaluated: 2026-07-10. Review status: criteria provided, single submitter. Criteria: Ambry Variant Classification Scheme 2023. Collection method: clinical testing. Allele origin: germline.

Labcorp Genetics (formerly Invitae), Labcorp
Classification: Uncertain significance for Neurofibromatosis, type 1. Last evaluated: 2022-04-15. Review status: criteria provided, single submitter. Criteria: Invitae Variant Classification Sherloc (09022015). Collection method: clinical testing. Allele origin: germline.
Comment: This sequence change replaces lysine, which is basic and polar, with asparagine, which is neutral and polar, at codon 2816 of the NF1 protein (p.Lys2816Asn). This variant is not present in population databases (gnomAD no frequency). This variant has not been reported in the literature in individuals affected with NF1-related conditions. Algorithms developed to predict the effect of missense changes on protein structure and function are either unavailable or do not agree on the potential impact of this missense change (SIFT: "Deleterious"; PolyPhen-2: "Probably Damaging"; Align-GVGD: "Class C0"). In summary, the available evidence is currently insufficient to determine the role of this variant in disease. Therefore, it has been classified as a Variant of Uncertain Significance.

NM_001042492.3(NF1):c.8511G>T (p.Lys2837Asn)

Gene: NF1 (neurofibromin 1; plus strand). Cytogenetic location: 17q11.2.
Variant type: single nucleotide variant.
Coding change: c.8511G>T on transcript NM_001042492.3 (MANE Select); coding-DNA position 8511, G replaced by T.
Protein change: p.Lys2837Asn; replaces lysine 2837 with asparagine.
Molecular consequence: missense variant.
Genome position (GRCh38, 1-based): chr17:31,374,146, G>T. VCF-style: chr17-31374146-G-T. GRCh37 (hg19) VCF-style: chr17-29701164-G-T.
Other names: c.8448G>T, p.Lys2816Asn (NM_000267.4); short protein forms K2816N, K2837N.
Identifiers: ClinVar variation 2126202 (VCV002126202.3), dbSNP rs752398289, ClinGen allele CA399206138.